The following is an entry in ClinVar:

NM_001267550.2(TTN):c.4147C>G (p.Pro1383Ala)

Genes: TTN (titin; minus strand), LOC101927055 (uncharacterized LOC101927055; plus strand). Cytogenetic location: 2q31.2.
Variant type: single nucleotide variant.
Coding change: c.4147C>G on transcript NM_001267550.2 (MANE Select); coding-DNA position 4147, C replaced by G.
Protein change: p.Pro1383Ala; replaces proline 1383 with alanine.
Molecular consequence: missense variant.
Genome position (GRCh38, 1-based): chr2:178,778,935, G>C on the plus strand (C>G on the coding strand, the complement: TTN is on the minus strand). VCF-style: chr2-178778935-G-C. GRCh37 (hg19) VCF-style: chr2-179643662-G-C.
Other names: c.4147C>G, p.Pro1383Ala (NM_133378.4, NM_001256850.1, NM_133379.5); c.4009C>G, p.Pro1337Ala (NM_003319.4, NM_133432.3, NM_133437.4); short protein forms P1383A, P1337A.
Identifiers: ClinVar variation 504549 (VCV000504549.7), dbSNP rs377658313, ClinGen allele CA2005397.

ClinVar aggregate classification (germline): Uncertain significance. Review status: criteria provided, multiple submitters, no conflicts (2 of 4 stars). 3 submissions from 3 submitters: Uncertain significance (3). Last evaluated 2026-06-28.

Conditions:
Autosomal recessive limb-girdle muscular dystrophy type 2J (LGMDR10). Also called: MUSCULAR DYSTROPHY, LIMB-GIRDLE, AUTOSOMAL RECESSIVE 10; Limb-girdle muscular dystrophy, type 2J. Identifiers: Orphanet 140922, MedGen C1837342, MONDO:0012127, OMIM 608807.
Dilated cardiomyopathy 1G (CMD1G). Identifiers: Orphanet 154, MedGen C1858763, MONDO:0011400, OMIM 604145.

Allele frequency attached by ClinVar (database versions not stated): TOPMed 0.00002; gnomAD 0.00001; ESP Exome Variant Server 0.00008.
gnomAD v4.1: 10 of 1,613,856 alleles (0.00062%); highest among the groups gnomAD compares: South Asian, 0.0011%; no homozygotes.

Submissions (3):

Women's Health and Genetics/Laboratory Corporation of America, LabCorp
Classification: Uncertain significance. Last evaluated: 2026-06-28. Review status: criteria provided, single submitter. Criteria: LabCorp Variant Classification Summary - May 2015. Collection method: clinical testing. Allele origin: germline.

Labcorp Genetics (formerly Invitae), Labcorp
Classification: Uncertain significance for Dilated cardiomyopathy 1G; Autosomal recessive limb-girdle muscular dystrophy type 2J. Last evaluated: 2025-08-31. Review status: criteria provided, single submitter. Criteria: Invitae Variant Classification Sherloc (09022015). Collection method: clinical testing. Allele origin: germline.
Comment: This sequence change replaces proline, which is neutral and non-polar, with alanine, which is neutral and non-polar, at codon 1383 of the TTN protein (p.Pro1383Ala). This variant is present in population databases (rs377658313, gnomAD 0.003%). This variant has not been reported in the literature in individuals affected with TTN-related conditions. ClinVar contains an entry for this variant (Variation ID: 504549). Experimental studies and prediction algorithms are not available or were not evaluated, and the functional significance of this variant is currently unknown. In summary, the available evidence is currently insufficient to determine the role of this variant in disease. Therefore, it has been classified as a Variant of Uncertain Significance.

Laboratory for Molecular Medicine, Mass General Brigham Personalized Medicine
Classification: Uncertain significance. Last evaluated: 2016-04-27. Review status: criteria provided, single submitter. Criteria: LMM Criteria. Collection method: clinical testing. Allele origin: germline. Observed: 1 variant allele.
Comment: The p.Pro1383Ala variant in TTN has not been previously reported in individuals with cardiomyopathy, but has been identified in 2/66582 European chromosomes by the Exome Aggregation Consortium (ExAC; dbSNP rs 377658313). Computational prediction tools and conservation analysis suggest tha t this variant may impact the protein, though this information is not predictive enough to determine pathogenicity. In summary, the clinical significance of the p.Pro1383Ala variant is uncertain.